The following is an entry in ClinVar:

NM_015450.3(POT1):c.-304C>A

Gene: POT1 (protection of telomeres 1; minus strand). Cytogenetic location: 7q31.33.
Variant type: single nucleotide variant.
Coding change: c.-304C>A on transcript NM_015450.3 (MANE Select); 304 bases upstream of the start codon, C replaced by A.
Molecular consequence: 5 prime UTR variant. On other transcripts: non-coding transcript variant (3).
Genome position (GRCh38, 1-based): chr7:124,928,892, G>T on the plus strand (C>A on the coding strand, the complement: POT1 is on the minus strand). VCF-style: chr7-124928892-G-T. GRCh37 (hg19) VCF-style: chr7-124568946-G-T.
Other names: c.-566C>A (NM_001042594.2).
Identifiers: ClinVar variation 678871 (VCV000678871.1), dbSNP rs139838633, ClinGen allele CA166714498.

ClinVar aggregate classification (germline): Likely benign (1 of 4 stars; one submission).

Allele frequency attached by ClinVar (database versions not stated): gnomAD 0.00509 and 0.00547; TOPMed 0.00586; 1000 Genomes Project 0.00739; 1000 Genomes Project 30x 0.00750.

Submission:

GeneDx
Classification: Likely benign. Last evaluated: 2018-06-14. Review status: criteria provided, single submitter. Criteria: GeneDx Variant Classification (06012015). Collection method: clinical testing. Allele origin: germline. Affected: yes.
Comment: This variant is considered likely benign or benign based on one or more of the following criteria: it is a conservative change, it occurs at a poorly conserved position in the protein, it is predicted to be benign by multiple in silico algorithms, and/or has population frequency not consistent with disease.